The following is an entry in ClinVar:

NM_002485.5(NBN):c.1282A>G (p.Asn428Asp)

Gene: NBN (nibrin; minus strand). Cytogenetic location: 8q21.3.
Variant type: single nucleotide variant.
Coding change: c.1282A>G on transcript NM_002485.5 (MANE Select); coding-DNA position 1282, A replaced by G.
Protein change: p.Asn428Asp; replaces asparagine 428 with aspartic acid.
Molecular consequence: missense variant.
Genome position (GRCh38, 1-based): chr8:89,955,398, T>C on the plus strand (A>G on the coding strand, the complement: NBN is on the minus strand). VCF-style: chr8-89955398-T-C. GRCh37 (hg19) VCF-style: chr8-90967626-T-C.
Other names: c.1036A>G, p.Asn346Asp (NM_001024688.3); short protein forms N428D, N346D.
Identifiers: ClinVar variation 185597 (VCV000185597.31), dbSNP rs786202302, ClinGen allele CA192382.

ClinVar aggregate classification (germline): Uncertain significance. Review status: criteria provided, multiple submitters, no conflicts (2 of 4 stars). 11 submissions from 11 submitters: Uncertain significance (10). 1 of the submissions does not count toward it. Last evaluated 2026-02-11.

Conditions:
Hereditary cancer-predisposing syndrome. Also called: Tumor predisposition; Hereditary Cancer Syndrome; Hereditary neoplastic syndrome; Neoplastic Syndromes, Hereditary. Identifiers: Orphanet 140162, MedGen C0027672, MeSH D009386, MONDO:0015356.
Aplastic anemia. Identifiers: Orphanet 182040, Orphanet 88, MedGen C0002874, MONDO:0015909, OMIM 609135, HP:0001915.
Microcephaly, normal intelligence and immunodeficiency (NBS). Also called: IMMUNODEFICIENCY, MICROCEPHALY, AND CHROMOSOMAL INSTABILITY; SEEMANOVA SYNDROME II; Nijmegen breakage syndrome; Microcephaly with normal intelligence immunodeficiency and lymphoreticular malignancies; Nonsyndromal microcephaly autosomal recessive with normal intelligence; Seemanova syndrome 2. Identifiers: Orphanet 647, MedGen C0398791, MONDO:0009623, OMIM 251260.

Allele frequency attached by ClinVar (database versions not stated): gnomAD exomes below 0.00001.
gnomAD v4.1: 10 of 1,613,924 alleles (0.00062%); highest among the groups gnomAD compares: African/African-American, 0.004%; 1 homozygote.

Submissions (11):

St. Jude Molecular Pathology, St. Jude Children's Research Hospital
Classification: Uncertain significance for Microcephaly, normal intelligence and immunodeficiency. Last evaluated: 2026-02-11. Review status: criteria provided, single submitter. Criteria: St. Jude Assertion Criteria 2020. Collection method: clinical testing. Allele origin: germline.
Comment: The NBN c.1282A>G p.(Asn428Asp) missense change has a maximum subpopulation frequency of 0.003% in gnomAD v2.1.1. The in silico tool REVEL predicts a benign effect on protein function, but to our knowledge this prediction has not been confirmed by functional studies. To our knowledge, this variant has not been reported in individuals with Nijmegen breakage syndrome. In summary, the evidence currently available is insufficient to determine the clinical significance of this variant. It has therefore been classified as of uncertain significance.

Institute for Biomarker Research, Medical Diagnostic Laboratories, L.L.C.
Classification: Uncertain significance for Hereditary cancer-predisposing syndrome. Last evaluated: 2025-09-10. Review status: criteria provided, single submitter. Criteria: ACMG Guidelines, 2015. Collection method: clinical testing. Allele origin: germline.
Comment: The missense variant NM_002485.5(NBN):c.1282A>G (p.Asn428Asp) has not been reported previously as a pathogenic variant, to our knowledge. There is a small physicochemical difference between asparagine and aspartic acid, which is not likely to impact secondary protein structure as these residues share similar properties. The p.Asn428Asp missense variant is predicted to be tolerated by both SIFT or PolyPhen2. The aspartic acid residue at codon 428 of NBN is present in Golden hamster and 6 other mammalian species. The nucleotide c.1282 in NBN is not conserved according to a GERP++ and PhyloP analysis of 100 vertebrates. For these reasons, this variant has been classified as Uncertain Significance.

Ambry Genetics
Classification: Uncertain significance for Hereditary cancer-predisposing syndrome. Last evaluated: 2025-08-13. Review status: criteria provided, single submitter. Criteria: Ambry Variant Classification Scheme 2023. Collection method: clinical testing. Allele origin: germline.

Labcorp Genetics (formerly Invitae), Labcorp
Classification: Uncertain significance for Microcephaly, normal intelligence and immunodeficiency. Last evaluated: 2024-10-08. Review status: criteria provided, single submitter. Criteria: Invitae Variant Classification Sherloc (09022015). Collection method: clinical testing. Allele origin: germline.
Comment: This sequence change replaces asparagine, which is neutral and polar, with aspartic acid, which is acidic and polar, at codon 428 of the NBN protein (p.Asn428Asp). This variant is present in population databases (rs786202302, gnomAD 0.003%). This variant has not been reported in the literature in individuals affected with NBN-related conditions. ClinVar contains an entry for this variant (Variation ID: 185597). An algorithm developed to predict the effect of missense changes on protein structure and function outputs the following: PolyPhen-2: "Benign". The aspartic acid amino acid residue is found in multiple mammalian species, which suggests that this missense change does not adversely affect protein function. In summary, the available evidence is currently insufficient to determine the role of this variant in disease. Therefore, it has been classified as a Variant of Uncertain Significance.

GeneDx
Classification: Uncertain significance. Last evaluated: 2024-05-05. Review status: criteria provided, single submitter. Criteria: GeneDx Variant Classification Process June 2021. Collection method: clinical testing. Allele origin: germline. Affected: yes.
Comment: Not observed at significant frequency in large population cohorts (gnomAD); In silico analysis indicates that this missense variant does not alter protein structure/function; This variant is associated with the following publications: (PMID: 36243179, 28726808)

Genome-Nilou Lab
Classification: Uncertain significance for Microcephaly, normal intelligence and immunodeficiency. Last evaluated: 2021-11-07. Review status: criteria provided, single submitter. Criteria: ACMG Guidelines, 2015. Collection method: clinical testing. Allele origin: germline. Affected: no.

Sema4
Classification: Uncertain significance for Hereditary cancer-predisposing syndrome. Last evaluated: 2021-04-20. Review status: criteria provided, single submitter. Criteria: Sema4 Curation Guidelines. Collection method: curation. Allele origin: germline.
Comment: The NBN c.1282A>G (p.N428D) variant has not been reported in the literature to our knowledge. It was observed in 1/34578 chromosomes of the Latino subpopulation in the large and broad cohorts of the Genome Aggregation Database (PMID: 32461654) and has been reported in ClinVar (Variation ID: 185597). In silico tools suggest the impact of the variant on protein function is benign, though these predictions have not been confirmed by functional studies. The evidence is insufficient to meet ACMG/AMP criteria for classifying the variant as benign or pathogenic. Thus, the clinical significance of this variant is currently uncertain.

Baylor Genetics
Classification: Uncertain significance for Aplastic anemia. Last evaluated: 2021-01-26. Review status: criteria provided, single submitter. Criteria: ACMG Guidelines, 2015. Collection method: clinical testing. Allele origin: unknown. Affected: yes. Study: CSER-TexasKidsCanSeq.
Comment: This variant was determined to be of uncertain significance according to ACMG Guidelines, 2015 [PMID:25741868].

Quest Diagnostics Nichols Institute San Juan Capistrano
Classification: Uncertain significance. Last evaluated: 2019-06-14. Review status: criteria provided, single submitter. Criteria: Quest Diagnostics criteria. Collection method: clinical testing. Allele origin: germline.

Women's Health and Genetics/Laboratory Corporation of America, LabCorp
Classification: Uncertain significance. Last evaluated: 2017-03-03. Review status: criteria provided, single submitter. Criteria: LabCorp Variant Classification Summary - May 2015. Collection method: clinical testing. Allele origin: germline.
Comment: Variant summary: The NBN c.1282A>G (p.Asn428Asp) variant involves the alteration of a non-conserved nucleotide, which 5/5 in silico tools predict a benign outcome, although these predictions have yet to be functionally observed. The variant of interest has not been observed in controls (ExAC, 1000 Gs, or ESP), nor has it been, to our knowledge, reported in affected individuals via publications. A clinical diagnostic laboratory cites the variant with a classification of "uncertain significance." Therefore, until additional information becomes available (ie, clinical and functional studies), the variant of interest has been classified as a "Variant of Uncertain Significance (VUS)."

Natera, Inc.
Classification: Uncertain significance for Nijmegen breakage syndrome. Last evaluated: 2020-12-21. Review status: no assertion criteria provided. Collection method: clinical testing. Allele origin: germline. Not counted in ClinVar's aggregate classification.